The following is an entry in ClinVar:

NM_001002294.3(FMO3):c.1084G>C (p.Glu362Gln)

Gene: FMO3 (flavin containing dimethylaniline monoxygenase 3; plus strand). Cytogenetic location: 1q24.3.
Variant type: single nucleotide variant.
Coding change: c.1084G>C on transcript NM_001002294.3 (MANE Select); coding-DNA position 1084, G replaced by C.
Protein change: p.Glu362Gln; replaces glutamic acid 362 with glutamine.
Molecular consequence: missense variant.
Genome position (GRCh38, 1-based): chr1:171,114,263, G>C. VCF-style: chr1-171114263-G-C. GRCh37 (hg19) VCF-style: chr1-171083403-G-C.
Other names: c.1024G>C, p.Glu342Gln (NM_001319173.2); c.895G>C, p.Glu299Gln (NM_001319174.2); c.1084G>C, p.Glu362Gln (NM_006894.6); short protein forms E299Q, E342Q, E362Q.
Identifiers: ClinVar variation 874972 (VCV000874972.11), dbSNP rs2066532, ClinGen allele CA1240728.
Genomic context (GRCh38, chr1:171,114,263, plus strand): 5'-ATCATCAAAAGCAGAAACAATGAGATCATTTTATTTAAAGGAGTATTTCCTCCTCTACTT[G>C]AGAAGTCAACCATAGCAGTGATTGGCTTTGTCCAGTCCCTTGGGGCTGCCATTCCCACAG-3'
Protein context (NP_001002294.1, residues 352-372): LFKGVFPPLL[Glu362Gln]KSTIAVIGFV

ClinVar aggregate classification (germline): Conflicting classifications of pathogenicity. Review status: criteria provided, conflicting classifications (1 of 4 stars). 4 submissions from 4 submitters: Uncertain significance (3); Benign (1). Last evaluated 2026-01-26.

Conditions:
Trimethylaminuria (TMAU). Also called: FISH-ODOR SYNDROME; Fish malodor syndrome; Stale fish syndrome; TMAuria; Primary Trimethylaminuria. Identifiers: MedGen C0342739, MONDO:0011182, OMIM 602079, HP:0003614. Disease mechanism: loss of function.

Allele frequency attached by ClinVar (database versions not stated): ExAC 0.00139; gnomAD 0.00401 and 0.00425; TOPMed 0.00427; 1000 Genomes Project 30x 0.00453; 1000 Genomes Project 0.00479; ESP Exome Variant Server 0.00577.

Submissions (5):

Labcorp Genetics (formerly Invitae), Labcorp
Classification: Benign. Last evaluated: 2026-01-26. Review status: criteria provided, single submitter. Criteria: Invitae Variant Classification Sherloc (09022015). Collection method: clinical testing. Allele origin: germline.

Fulgent Genetics
Classification: Uncertain significance for Trimethylaminuria. Last evaluated: 2022-02-08. Review status: criteria provided, single submitter. Criteria: ACMG Guidelines, 2015. Collection method: clinical testing. Allele origin: unknown.

Illumina Laboratory Services, Illumina
Classification: Uncertain significance for Trimethylaminuria. Last evaluated: 2017-04-27. Review status: criteria provided, single submitter. Criteria: ICSL Variant Classification Criteria 13 December 2019. Collection method: clinical testing. Allele origin: germline.
Comment: This variant was observed as part of a predisposition screen in an ostensibly healthy population. A literature search was performed for the gene, cDNA change, and amino acid change (where applicable). Publications were found based on this search. However, the evidence from the literature, in combination with allele frequency data from public databases where available, was not sufficient to rule this variant in or out of causing disease. Therefore, this variant is classified as a variant of unknown significance.

Breakthrough Genomics
Classification: Uncertain significance. Review status: criteria provided, single submitter. Criteria: ACMG Guidelines, 2015. Collection method: not provided. Allele origin: germline. Inheritance: Autosomal recessive inheritance. Affected: yes.

Dr. Peter K. Rogan Lab, Western University
No classification provided (evidence only). Condition: Colon adenocarcinoma. Review status: no classification provided. Collection method: in vitro. Allele origin: not applicable. Functional consequence: retained intron. Not counted in ClinVar's aggregate classification.

Literature cited by the submitters: PubMed 12527699 (cited by Illumina Laboratory Services, Illumina); PubMed 12228178 (cited by Illumina Laboratory Services, Illumina).